The following is an entry in ClinVar:

ClinVar aggregate classification (germline): Uncertain significance (1 of 4 stars; one submission).

Conditions:
Familial adenomatous polyposis 1 (FAP1). Also called: POLYPOSIS, ADENOMATOUS INTESTINAL; FAMILIAL ADENOMATOUS POLYPOSIS 1, ATTENUATED. Identifiers: MedGen C2713442, MONDO:0021056, OMIM 175100. Disease mechanism: loss of function.

gnomAD v4.1: 1 of 1,606,526 alleles (0.000062%); highest among the groups gnomAD compares: Admixed American, 0.0017%; no homozygotes.

Submission:

Labcorp Genetics (formerly Invitae), Labcorp
Classification: Uncertain significance for Familial adenomatous polyposis 1. Last evaluated: 2022-10-07. Review status: criteria provided, single submitter. Criteria: Invitae Variant Classification Sherloc (09022015). Collection method: clinical testing. Allele origin: germline.
Comment: This sequence change replaces serine, which is neutral and polar, with alanine, which is neutral and non-polar, at codon 179 of the APC protein (p.Ser179Ala). This variant is not present in population databases (gnomAD no frequency). In summary, the available evidence is currently insufficient to determine the role of this variant in disease. Therefore, it has been classified as a Variant of Uncertain Significance. Advanced modeling of protein sequence and biophysical properties (such as structural, functional, and spatial information, amino acid conservation, physicochemical variation, residue mobility, and thermodynamic stability) performed at Invitae indicates that this missense variant is not expected to disrupt APC protein function. ClinVar contains an entry for this variant (Variation ID: 1423890). This variant has not been reported in the literature in individuals affected with APC-related conditions.

NM_000038.6(APC):c.535T>G (p.Ser179Ala)

Gene: APC (APC regulator of Wnt signaling pathway; plus strand). Cytogenetic location: 5q22.2.
Variant type: single nucleotide variant.
Coding change: c.535T>G on transcript NM_000038.6 (MANE Select); coding-DNA position 535, T replaced by G.
Protein change: p.Ser179Ala; replaces serine 179 with alanine.
Molecular consequence: missense variant. On other transcripts: 5 prime UTR variant (1).
Genome position (GRCh38, 1-based): chr5:112,780,793, T>G. VCF-style: chr5-112780793-T-G. GRCh37 (hg19) VCF-style: chr5-112116490-T-G.
Other names: c.535T>G, p.Ser179Ala (NM_001127510.3, NM_001354895.2, NM_001354896.2 and 2 more transcripts); c.565T>G, p.Ser189Ala (NM_001127511.3, NM_001354897.2, NM_001354902.2); c.460T>G, p.Ser154Ala (NM_001354898.2, NM_001354904.2); c.358T>G, p.Ser120Ala (NM_001354900.2, NM_001354901.2, NM_001354905.2); c.-501T>G (NM_001354906.2); short protein forms S120A, S179A, S189A, S154A.
Identifiers: ClinVar variation 1423890 (VCV001423890.8), dbSNP rs2149638985, ClinGen allele CA16022501.